The following is an entry in ClinVar:

ClinVar aggregate classification (germline): Uncertain significance (1 of 4 stars; one submission).

Conditions:
Inborn genetic diseases. Identifiers: MedGen C0950123, MeSH D030342.

Submission:

Ambry Genetics
Classification: Uncertain significance for Inborn genetic diseases. Last evaluated: 2025-03-26. Review status: criteria provided, single submitter. Criteria: Ambry Variant Classification Scheme 2023. Collection method: clinical testing. Allele origin: germline.
Comment: The p.N497D variant (also known as c.1489A>G), located in coding exon 8 of the PIK3CA gene, results from an A to G substitution at nucleotide position 1489. The asparagine at codon 497 is replaced by aspartic acid, an amino acid with highly similar properties. This amino acid position is conserved. In addition, this alteration is predicted to be tolerated by in silico analysis. Based on the available evidence, the clinical significance of this variant remains unclear.

NM_006218.4(PIK3CA):c.1489A>G (p.Asn497Asp)

Gene: PIK3CA (phosphatidylinositol-4,5-bisphosphate 3-kinase catalytic subunit alpha; plus strand). Cytogenetic location: 3q26.32.
Variant type: single nucleotide variant.
Coding change: c.1489A>G on transcript NM_006218.4 (MANE Select); coding-DNA position 1489, A replaced by G.
Protein change: p.Asn497Asp; replaces asparagine 497 with aspartic acid.
Molecular consequence: missense variant.
Genome position (GRCh38, 1-based): chr3:179,210,515, A>G. VCF-style: chr3-179210515-A-G. GRCh37 (hg19) VCF-style: chr3-178928303-A-G.
Other names: short protein forms N497D.
Identifiers: ClinVar variation 3932388 (VCV003932388.1).